The following is an entry in ClinVar:

ClinVar aggregate classification (germline): Uncertain significance (1 of 4 stars; one submission).

Allele frequency attached by ClinVar (database versions not stated): gnomAD exomes below 0.00001.

Submission:

Labcorp Genetics (formerly Invitae), Labcorp
Classification: Uncertain significance. Last evaluated: 2024-12-04. Review status: criteria provided, single submitter. Criteria: Invitae Variant Classification Sherloc (09022015). Collection method: clinical testing. Allele origin: germline.
Comment: This sequence change replaces histidine, which is basic and polar, with tyrosine, which is neutral and polar, at codon 1163 of the POLE protein (p.His1163Tyr). This variant is not present in population databases (gnomAD no frequency). This variant has not been reported in the literature in individuals affected with POLE-related conditions. ClinVar contains an entry for this variant (Variation ID: 1489943). Invitae Evidence Modeling of protein sequence and biophysical properties (such as structural, functional, and spatial information, amino acid conservation, physicochemical variation, residue mobility, and thermodynamic stability) indicates that this missense variant is not expected to disrupt POLE protein function with a negative predictive value of 80%. In summary, the available evidence is currently insufficient to determine the role of this variant in disease. Therefore, it has been classified as a Variant of Uncertain Significance.

NM_006231.4(POLE):c.3487C>T (p.His1163Tyr)

Gene: POLE (DNA polymerase epsilon, catalytic subunit; minus strand). Cytogenetic location: 12q24.33.
Variant type: single nucleotide variant.
Coding change: c.3487C>T on transcript NM_006231.4 (MANE Select); coding-DNA position 3487, C replaced by T.
Protein change: p.His1163Tyr; replaces histidine 1163 with tyrosine.
Molecular consequence: missense variant.
Genome position (GRCh38, 1-based): chr12:132,657,231, G>A on the plus strand (C>T on the coding strand, the complement: POLE is on the minus strand). VCF-style: chr12-132657231-G-A. GRCh37 (hg19) VCF-style: chr12-133233817-G-A.
Other names: short protein forms H1163Y.
Identifiers: ClinVar variation 1489943 (VCV001489943.8), dbSNP rs2138657335, ClinGen allele CA387388719.